The following is an entry in ClinVar:

ClinVar aggregate classification (germline): Uncertain significance. Review status: criteria provided, multiple submitters, no conflicts (2 of 4 stars). 2 submissions from 2 submitters: Uncertain significance (2). Last evaluated 2026-07-09.

Conditions:
GREB1L-related disorder. Also called: GREB1L-related condition.
Renal hypodysplasia/aplasia 3 (RHDA3). Identifiers: MedGen C4540497, MONDO:0024520, OMIM 617805.

gnomAD v4.1: 6 of 1,551,464 alleles (0.00039%); highest among the groups gnomAD compares: East Asian, 0.0024%; no homozygotes.

Submissions (2):

Medical Genetics, Marmara University School Of Medicine
Classification: Uncertain significance for Renal hypodysplasia/aplasia 3. Last evaluated: 2026-07-09. Review status: criteria provided, single submitter. Criteria: Variant Classification Assertion Criteria, v1. Collection method: research. Allele origin: unknown, maternal. Affected: yes and no. Observed: 5 variant alleles, 5 heterozygotes. Clinical features observed: Horseshoe kidney, Hypertension, Bilateral bifid renal pelvis, Bilateral focal caliectasis, Left kidney cyst, Vesicoureteral reflux. Segregation with disease not observed.
Comment: Heterozygous missense variant NM_001142966.3:c.329C>T p.(Ala110Val) in GREB1L, a well-established autosomal dominant CAKUT gene (PMID:29100091; PMID:29100090). Classified as uncertain significance per ACMG/AMP: PM2_Supporting (gnomAD v4.1 AF 0.000003867), PP2 (missense variant in a gene with a low benign missense variation rate), BP4 (multiple computational predictors do not support a deleterious effect; REVEL 0.183, AlphaMissense 0.246). The variant was present in three affected relatives across three generations but also in two individuals with normal kidney ultrasonography, and was absent in a fourth affected relative; the most severely affected relative could not be genotyped. Because the variant does not co-segregate with the kidney phenotype in this family, no co-segregation criterion (PP1) was applied; the affected residue lies outside any annotated functional domain. Individual-level observations, including the discordant carriers, are reported on the CaseData tab under this Linking ID.

PreventionGenetics, part of Exact Sciences
Classification: Uncertain significance for GREB1L-related condition. Last evaluated: 2024-12-27. Review status: criteria provided, single submitter. Criteria: ACMG Guidelines, 2015. Collection method: clinical testing. Allele origin: germline.
Comment: The GREB1L c.329C>T variant is predicted to result in the amino acid substitution p.Ala110Val. To our knowledge, this variant has not been reported in the literature or in a large population database (gnomAD), indicating this variant is rare. At this time, the clinical significance of this variant is uncertain due to the absence of conclusive functional and genetic evidence.

Literature cited by the submitters: PubMed 29100091 (cited by Medical Genetics, Marmara University School Of Medicine); PubMed 29100090 (cited by Medical Genetics, Marmara University School Of Medicine).

NM_001142966.3(GREB1L):c.329C>T (p.Ala110Val)

Genes: GREB1L-AS1 (GREB1L antisense RNA 1; minus strand), GREB1L (GREB1 like retinoic acid receptor coactivator; plus strand). Cytogenetic location: 18q11.1.
Variant type: single nucleotide variant.
Coding change: c.329C>T on transcript NM_001142966.3 (MANE Select); coding-DNA position 329, C replaced by T.
Protein change: p.Ala110Val; replaces alanine 110 with valine.
Molecular consequence: missense variant.
Genome position (GRCh38, 1-based): chr18:21,384,377, C>T. VCF-style: chr18-21384377-C-T. GRCh37 (hg19) VCF-style: chr18-18964338-C-T.
Other names: c.329C>T (NM_001142966.1); c.329C>T, p.Ala110Val (NM_001410867.1, NM_001410868.1); short protein forms A110V.
Identifiers: ClinVar variation 4886922 (VCV004886922.2).
Genomic context (GRCh38, chr18:21,384,377, plus strand): 5'-AAGACGATGAAGAAATGTCTGATTCAAACAGCCCACCAATTCCCTATTCACAAAAACCTG[C>T]CCCAGAAGGATCTTGCACTACAGATGGTGGGTTTCAGTTGTGTTTTCTTTTTGCTATTTT-3'
Protein context (NP_001136438.1, residues 100-120): SPPIPYSQKP[Ala110Val]PEGSCTTDGF